The following is an entry in ClinVar:

ClinVar aggregate classification (germline): Uncertain significance. Review status: criteria provided, multiple submitters, no conflicts (2 of 4 stars). 5 submissions from 5 submitters: Uncertain significance (5). Last evaluated 2026-05-13.

Conditions:
Inborn genetic diseases. Identifiers: MedGen C0950123, MeSH D030342.
PLEC-related disorder. Also called: PLEC-related condition; PLEC-related disorders.
Epidermolysis bullosa simplex 5B, with muscular dystrophy (EBS5B). Also called: Epidermolysis bullosa simplex with muscular dystrophy; EPIDERMOLYSIS BULLOSA SIMPLEX AND LIMB-GIRDLE MUSCULAR DYSTROPHY. Identifiers: Orphanet 257, MedGen C2931072, MONDO:0009181, OMIM 226670.
Autosomal recessive limb-girdle muscular dystrophy type 2Q (LGMDR17). Also called: MUSCULAR DYSTROPHY, LIMB-GIRDLE, AUTOSOMAL RECESSIVE 17. Identifiers: Orphanet 254361, MedGen C3150989, MONDO:0013390, OMIM 613723.
Epidermolysis bullosa simplex 5C, with pyloric atresia (EBS5C). Also called: PLEC-Related Epidermolysis Bullosa with Pyloric Atresia; PLEC1-Related Epidermolysis Bullosa with Pyloric Atresia; Epidermolysis bullosa simplex with pyloric atresia. Identifiers: Orphanet 158684, MedGen C2677349, MONDO:0012807, OMIM 612138.
Epidermolysis bullosa simplex, Ogna type (EBS5A). Also called: Pidermolysis bullosa simplex 5A, Ogna type; EPIDERMOLYSIS BULLOSA SIMPLEX 5A, OGNA TYPE. Identifiers: Orphanet 79401, MedGen C0432317, MONDO:0007555, OMIM 131950.
Epidermolysis bullosa simplex with nail dystrophy (EBS5D). Identifiers: MedGen C4225309, MONDO:0014661, OMIM 616487.

Allele frequency attached by ClinVar (database versions not stated): TOPMed 0.00007; ESP Exome Variant Server 0.00008; gnomAD 0.00013.
gnomAD v4.1: 31 of 1,613,066 alleles (0.0019%); highest among the groups gnomAD compares: African/African-American, 0.0093%; no homozygotes.

Submissions (5):

PreventionGenetics, part of Exact Sciences
Classification: Uncertain significance for PLEC-related condition. Last evaluated: 2026-05-13. Review status: criteria provided, single submitter. Criteria: ACMG Guidelines, 2015. Collection method: clinical testing. Allele origin: germline.
Comment: The PLEC c.11080C>T variant is predicted to result in the amino acid substitution p.Arg3694Trp. To our knowledge, this variant has not been reported in the literature. This variant is reported in 0.021% of alleles in individuals of African descent in gnomAD. At this time, the clinical significance of this variant is uncertain due to the absence of conclusive functional and genetic evidence.

Labcorp Genetics (formerly Invitae), Labcorp
Classification: Uncertain significance for Autosomal recessive limb-girdle muscular dystrophy type 2Q; Epidermolysis bullosa simplex, Ogna type; Epidermolysis bullosa simplex with nail dystrophy; Epidermolysis bullosa simplex 5C, with pyloric atresia; Epidermolysis bullosa simplex 5B, with muscular dystrophy. Last evaluated: 2026-01-06. Review status: criteria provided, single submitter. Criteria: Invitae Variant Classification Sherloc (09022015). Collection method: clinical testing. Allele origin: germline.
Comment: This sequence change replaces arginine, which is basic and polar, with tryptophan, which is neutral and slightly polar, at codon 3694 of the PLEC protein (p.Arg3694Trp). This variant is present in population databases (rs373318830, gnomAD 0.02%). This variant has not been reported in the literature in individuals affected with PLEC-related conditions. ClinVar contains an entry for this variant (Variation ID: 597035). An algorithm developed to predict the effect of missense changes on protein structure and function (PolyPhen-2) suggests that this variant is likely to be disruptive. In summary, the available evidence is currently insufficient to determine the role of this variant in disease. Therefore, it has been classified as a Variant of Uncertain Significance.

Ambry Genetics
Classification: Uncertain significance for Inborn genetic diseases. Last evaluated: 2024-01-09. Review status: criteria provided, single submitter. Criteria: Ambry Variant Classification Scheme 2023. Collection method: clinical testing. Allele origin: germline.

Revvity Omics, Revvity
Classification: Uncertain significance. Last evaluated: 2023-01-30. Review status: criteria provided, single submitter. Criteria: ACMG Guidelines, 2015. Collection method: clinical testing. Allele origin: germline.

Eurofins Ntd Llc (ga)
Classification: Uncertain significance. Last evaluated: 2018-05-15. Review status: criteria provided, single submitter. Criteria: EGL ClinVar v180209 classification definitions. Collection method: clinical testing. Allele origin: germline. Observed: 1 variant allele, 1 heterozygote.

NM_201384.3(PLEC):c.10999C>T (p.Arg3667Trp)

Gene: PLEC (plectin; minus strand). Cytogenetic location: 8q24.3.
Variant type: single nucleotide variant.
Coding change: c.10999C>T on transcript NM_201384.3 (MANE Select); coding-DNA position 10999, C replaced by T.
Protein change: p.Arg3667Trp; replaces arginine 3667 with tryptophan.
Molecular consequence: missense variant.
Genome position (GRCh38, 1-based): chr8:143,918,822, G>A on the plus strand (C>T on the coding strand, the complement: PLEC is on the minus strand). VCF-style: chr8-143918822-G-A. GRCh37 (hg19) VCF-style: chr8-144992990-G-A.
Other names: c.11080C>T (NM_000445.4, NM_000445.3); c.11080C>T, p.Arg3694Trp (NM_000445.5); c.10957C>T, p.Arg3653Trp (NM_201378.4); c.10933C>T, p.Arg3645Trp (NM_201379.3); c.11410C>T, p.Arg3804Trp (NM_201380.4); c.10903C>T, p.Arg3635Trp (NM_201381.3); c.10999C>T, p.Arg3667Trp (NM_201382.4); c.11011C>T, p.Arg3671Trp (NM_201383.3); short protein forms R3694W, R3804W, R3645W, R3653W, R3667W, R3635W, R3671W.
Identifiers: ClinVar variation 597035 (VCV000597035.17), dbSNP rs373318830, ClinGen allele CA4924466.